The following is an entry in ClinVar:

ClinVar aggregate classification (germline): Benign (1 of 4 stars; one submission).

Allele frequency attached by ClinVar (database versions not stated): gnomAD 0.57197; TOPMed 0.59464; 1000 Genomes Project 0.66702; 1000 Genomes Project 30x 0.66743.

Submission:

GeneDx
Classification: Benign. Last evaluated: 2018-06-14. Review status: criteria provided, single submitter. Criteria: GeneDx Variant Classification (06012015). Collection method: clinical testing. Allele origin: germline. Affected: yes.
Comment: This variant is considered likely benign or benign based on one or more of the following criteria: it is a conservative change, it occurs at a poorly conserved position in the protein, it is predicted to be benign by multiple in silico algorithms, and/or has population frequency not consistent with disease.

NM_004006.3(DMD):c.1332-286T>C

Gene: DMD (dystrophin; minus strand). Cytogenetic location: Xp21.1.
Variant type: single nucleotide variant.
Coding change: c.1332-286T>C on transcript NM_004006.3 (MANE Select); 286 bases into the intron before coding-DNA position 1332, T replaced by C.
Molecular consequence: intron variant.
Genome position (GRCh38, 1-based): chrX:32,614,739, A>G on the plus strand (T>C on the coding strand, the complement: DMD is on the minus strand). VCF-style: chrX-32614739-A-G. GRCh37 (hg19) VCF-style: chrX-32632856-A-G.
Other names: c.1308-286T>C (NM_000109.4); c.1320-286T>C (NM_004009.3); c.963-286T>C (NM_004010.3).
Identifiers: ClinVar variation 680545 (VCV000680545.1), dbSNP rs808513, ClinGen allele CA15005291.
Genomic context (GRCh38, chrX:32,614,739, plus strand): 5'-GTCAACTAAATGTGAACATGCTAACTGAAGTGCAAAGCATCTGATAATTGACTAAGTAGT[A>G]TATTTTGGCAGTTGTTCGTTTACATTCTCATTATTTAGTATGTGTGGTGGTTAAAGATGG-3'